The following is an entry in ClinVar:

NM_000238.4(KCNH2):c.2996G>A (p.Ser999Asn)

Gene: KCNH2 (potassium voltage-gated channel subfamily H member 2; minus strand). Cytogenetic location: 7q36.1.
Variant type: single nucleotide variant.
Coding change: c.2996G>A on transcript NM_000238.4 (MANE Select); coding-DNA position 2996, G replaced by A.
Protein change: p.Ser999Asn; replaces serine 999 with asparagine.
Molecular consequence: missense variant.
Genome position (GRCh38, 1-based): chr7:150,947,484, C>T on the plus strand (G>A on the coding strand, the complement: KCNH2 is on the minus strand). VCF-style: chr7-150947484-C-T. GRCh37 (hg19) VCF-style: chr7-150644572-C-T.
Other names: c.1976G>A, p.Ser659Asn (NM_172057.3); short protein forms S659N, S999N.
Identifiers: ClinVar variation 919130 (VCV000919130.16), dbSNP rs974699160, ClinGen allele CA369852958.

ClinVar aggregate classification (germline): Uncertain significance. Review status: criteria provided, multiple submitters, no conflicts (2 of 4 stars). 4 submissions from 4 submitters: Uncertain significance (4). Last evaluated 2024-09-01.

Conditions:
Cardiac arrhythmia. Also called: Arrhythmia; Cardiac rhythm disease. Identifiers: MedGen C0003811, MONDO:0007263, HP:0011675.
Long QT syndrome (LQTS). Identifiers: MedGen C0023976, MeSH D008133, MONDO:0002442. Disease mechanism: loss of function. Inheritance: Various modes of inheritance.

Allele frequency attached by ClinVar (database versions not stated): gnomAD exomes below 0.00001; TOPMed below 0.00001; gnomAD 0.00001.
gnomAD v4.1: 5 of 1,583,736 alleles (0.00032%); highest among the groups gnomAD compares: Non-Finnish European, 0.00043%; no homozygotes.

Submissions (4):

Labcorp Genetics (formerly Invitae), Labcorp
Classification: Uncertain significance for Long QT syndrome. Last evaluated: 2024-09-01. Review status: criteria provided, single submitter. Criteria: Invitae Variant Classification Sherloc (09022015). Collection method: clinical testing. Allele origin: germline.
Comment: This sequence change replaces serine, which is neutral and polar, with asparagine, which is neutral and polar, at codon 999 of the KCNH2 protein (p.Ser999Asn). This variant is not present in population databases (gnomAD no frequency). This variant has not been reported in the literature in individuals affected with KCNH2-related conditions. ClinVar contains an entry for this variant (Variation ID: 919130). An algorithm developed to predict the effect of missense changes on protein structure and function (PolyPhen-2) suggests that this variant is likely to be disruptive. In summary, the available evidence is currently insufficient to determine the role of this variant in disease. Therefore, it has been classified as a Variant of Uncertain Significance.

All of Us Research Program, National Institutes of Health
Classification: Uncertain significance for Long QT syndrome. Last evaluated: 2023-12-13. Review status: criteria provided, single submitter. Criteria: ACMG Guidelines, 2015. Collection method: clinical testing. Allele origin: germline. Inheritance: Autosomal dominant inheritance. Observed: 2 variant alleles, 2 heterozygotes.
Comment: This missense variant replaces serine with asparagine at codon 999 of the KCNH2 protein. Computational prediction is inconclusive regarding the impact of this variant on protein structure and function (internally defined REVEL score threshold 0.5 < inconclusive < 0.7, PMID: 27666373). This variant is found within a highly conserved C-terminus region (a.a. 843-1159). Rare non-truncating variants in this region have been shown to be significantly overrepresented in individuals with long QT syndrome (PMID: 32893267). To our knowledge, functional studies have not been reported for this variant. This variant has not been reported in individuals affected with KCNH2-related disorders in the literature. This variant has not been identified in the general population by the Genome Aggregation Database (gnomAD). The available evidence is insufficient to determine the role of this variant in disease conclusively. Therefore, this variant is classified as a Variant of Uncertain Significance.

This study involves interpretation of variants in research participants for the purpose of population health screening. Participant phenotype was not available at the time of variant classification. Additional details can be found in publication PMID: 35346344, PMCID: PMC8962531

Color Diagnostics, LLC DBA Color Health
Classification: Uncertain significance for Cardiac arrhythmia. Last evaluated: 2023-11-04. Review status: criteria provided, single submitter. Criteria: ACMG Guidelines, 2015. Collection method: clinical testing. Allele origin: germline.
Comment: This missense variant replaces serine with asparagine at codon 999 of the KCNH2 protein. Computational prediction is inconclusive regarding the impact of this variant on protein structure and function (internally defined REVEL score threshold 0.5 < inconclusive < 0.7, PMID: 27666373). This variant is found within a highly conserved C-terminus region (a.a. 843-1159). Rare non-truncating variants in this region have been shown to be significantly overrepresented in individuals with long QT syndrome (PMID: 32893267). To our knowledge, functional studies have not been reported for this variant. This variant has not been reported in individuals affected with KCNH2-related disorders in the literature. This variant has not been identified in the general population by the Genome Aggregation Database (gnomAD). The available evidence is insufficient to determine the role of this variant in disease conclusively. Therefore, this variant is classified as a Variant of Uncertain Significance.

ARUP Laboratories, Molecular Genetics and Genomics, ARUP Laboratories
Classification: Uncertain significance. Last evaluated: 2020-12-08. Review status: criteria provided, single submitter. Criteria: ARUP Molecular Germline Variant Investigation Process 2021. Collection method: clinical testing. Allele origin: germline.
Comment: The KCNH2 c.2996G>A; p.Ser999Asn variant (rs974699160), to our knowledge, is not reported in the medical literature but is reported in ClinVar (Variation ID: 919130). This variant is absent from general population databases (Exome Variant Server, Genome Aggregation Database), indicating it is not a common polymorphism. The serine at codon 999 is moderately conserved, and computational analyses are uncertain whether this variant is neutral or deleterious (REVEL: 0.556). Due to limited information, the clinical significance of the p.Ser999Asn variant is uncertain at this time.

Literature cited by the submitters: PubMed 32893267 (cited by All of Us Research Program, National Institutes of Health and Color Diagnostics, LLC DBA Color Health).